The following is an entry in ClinVar:

NM_001282531.3(ADNP):c.2129dup (p.Ser711fs)

Gene: ADNP (activity dependent neuroprotector homeobox; minus strand). Cytogenetic location: 20q13.13.
Variant type: Duplication.
Coding change: c.2129dup on transcript NM_001282531.3 (MANE Select); coding-DNA position 2129, one base duplicated (C; older notation c.2129dupC).
Protein change: p.Ser711fs; shifts the reading frame from serine 711.
Molecular consequence: frameshift variant.
Genome position (GRCh38, 1-based): chr20:50,892,585, G duplicated on the plus strand (C on the coding strand, the reverse complement: ADNP is on the minus strand); the first of 2 consecutive G bases (chr20:50,892,585-50,892,586); duplicating either gives the same sequence. VCF-style (leftmost placement, unchanged base first): chr20-50892584-T-TG. GRCh37 (hg19) VCF-style: chr20-49509121-T-TG.
Other names: c.2129dup, p.Ser711fs (NM_001282532.2, NM_001347511.2, NM_015339.5 and 1 more transcripts); c.2130delAinsCA (NM_015339.5); c.2129dup (NM_015339.2); short protein forms S711fs.
Identifiers: ClinVar variation 984843 (VCV000984843.3), dbSNP rs1980913274, ClinGen allele CA1139666735.

ClinVar aggregate classification (germline): Likely pathogenic (1 of 4 stars; one submission).

Conditions:
ADNP-related multiple congenital anomalies - intellectual disability - autism spectrum disorder. Also called: ADNP-Related Helsmoortel-Van der Aa Syndrome; Helsmoortel-Van der Aa Syndrome. Identifiers: Orphanet 404448, MedGen C4014538, MONDO:0014379, OMIM 615873. Disease mechanism: loss of function.

Submission:

GeneDx
Classification: Likely pathogenic. Last evaluated: 2026-04-06. Review status: criteria provided, single submitter. Criteria: GeneDx Variant Classification Process June 2021. Collection method: clinical testing. Allele origin: germline.
Comment: De novo variant with confirmed parentage in a proband in published literature with reported clinical features that are only partially consistent with the features typically observed in individuals with pathogenic variants in this gene (PMID: 31785789); Frameshift variant predicted to result in abnormal protein length as the last 392 amino acids are replaced with 23 different amino acids, and other similar variants have been reported in HGMD; Not observed at significant frequency in large population cohorts (gnomAD); This variant is associated with the following publications: (PMID: 33057194, 35982159, 29724491, 28221363, 31785789)